The following is an entry in ClinVar:

ClinVar aggregate classification (germline): Uncertain significance (1 of 4 stars; one submission).

Conditions:
Familial cold autoinflammatory syndrome 2 (FCAS2). Identifiers: Orphanet 247868, MedGen C2673198, MONDO:0012724, OMIM 611762.

Allele frequency attached by ClinVar (database versions not stated): gnomAD 0.00001; TOPMed 0.00001; gnomAD exomes 0.00002.
gnomAD v4.1: 25 of 1,613,920 alleles (0.0015%); highest among the groups gnomAD compares: Non-Finnish European, 0.0021%; no homozygotes.

Submission:

Labcorp Genetics (formerly Invitae), Labcorp
Classification: Uncertain significance for Familial cold autoinflammatory syndrome 2. Last evaluated: 2024-10-07. Review status: criteria provided, single submitter. Criteria: Invitae Variant Classification Sherloc (09022015). Collection method: clinical testing. Allele origin: germline.
Comment: This sequence change creates a premature translational stop signal (p.Gln109*) in the NLRP12 gene. It is expected to result in an absent or disrupted protein product. However, the current clinical and genetic evidence is not sufficient to establish whether loss-of-function variants in NLRP12 cause disease. This variant is not present in population databases (gnomAD no frequency). This variant has not been reported in the literature in individuals affected with NLRP12-related conditions. ClinVar contains an entry for this variant (Variation ID: 1035747). In summary, the available evidence is currently insufficient to determine the role of this variant in disease. Therefore, it has been classified as a Variant of Uncertain Significance.

NM_144687.4(NLRP12):c.325C>T (p.Gln109Ter)

Gene: NLRP12 (NLR family pyrin domain containing 12; minus strand). Cytogenetic location: 19q13.42.
Variant type: single nucleotide variant.
Coding change: c.325C>T on transcript NM_144687.4 (MANE Select); coding-DNA position 325, C replaced by T.
Protein change: p.Gln109Ter; replaces glutamine 109 with a stop codon.
Molecular consequence: nonsense.
Genome position (GRCh38, 1-based): chr19:53,814,953, G>A on the plus strand (C>T on the coding strand, the complement: NLRP12 is on the minus strand). VCF-style: chr19-53814953-G-A. GRCh37 (hg19) VCF-style: chr19-54318207-G-A.
Other names: c.325C>T, p.Gln109Ter (NM_001277126.2, NM_001277129.1); short protein forms Q109*.
Identifiers: ClinVar variation 1035747 (VCV001035747.4), dbSNP rs200270922, ClinGen allele CA310073499.